The following is an entry in ClinVar:

NM_001288739.2(DNM1):c.1304T>A (p.Leu435His)

Gene: DNM1 (dynamin 1; plus strand). Cytogenetic location: 9q34.11.
Variant type: single nucleotide variant.
Coding change: c.1304T>A on transcript NM_001288739.2 (MANE Plus Clinical); coding-DNA position 1304, T replaced by A.
Protein change: p.Leu435His; replaces leucine 435 with histidine.
Molecular consequence: missense variant. On other transcripts: intron variant (3).
Genome position (GRCh38, 1-based): chr9:128,226,142, T>A. VCF-style: chr9-128226142-T-A. GRCh37 (hg19) VCF-style: chr9-130988421-T-A.
Other names: c.1304T>A, p.Leu435His (NM_001288737.2, NM_001288738.2); c.1335+1753T>A (NM_001005336.3, NM_001374269.1, NM_004408.4); short protein forms L435H.
Identifiers: ClinVar variation 4087847 (VCV004087847.1).

ClinVar aggregate classification (germline): Uncertain significance (1 of 4 stars; one submission).

Submission:

GeneDx
Classification: Uncertain significance. Last evaluated: 2025-03-28. Review status: criteria provided, single submitter. Criteria: GeneDx Variant Classification Process June 2021. Collection method: clinical testing. Allele origin: germline. Affected: yes.
Comment: Not observed at significant frequency in large population cohorts (gnomAD); In silico analysis supports a deleterious effect on splicing; Has not been previously published as pathogenic or benign to our knowledge; Reported using an alternate transcript of the gene